The following is an entry in ClinVar:

NM_001267550.2(TTN):c.74613C>A (p.Cys24871Ter)

Genes: TTN-AS1 (TTN antisense RNA 1; plus strand), TTN (titin; minus strand). Cytogenetic location: 2q31.2.
Variant type: single nucleotide variant.
Coding change: c.74613C>A on transcript NM_001267550.2 (MANE Select); coding-DNA position 74613, C replaced by A.
Protein change: p.Cys24871Ter; replaces cysteine 24871 with a stop codon.
Molecular consequence: nonsense.
Genome position (GRCh38, 1-based): chr2:178,571,519, G>T on the plus strand (C>A on the coding strand, the complement: TTN is on the minus strand). VCF-style: chr2-178571519-G-T. GRCh37 (hg19) VCF-style: chr2-179436246-G-T.
Other names: c.69690C>A, p.Cys23230Ter (NM_001256850.1); c.47418C>A, p.Cys15806Ter (NM_003319.4); c.66909C>A, p.Cys22303Ter (NM_133378.4); c.47793C>A, p.Cys15931Ter (NM_133432.3); c.47994C>A, p.Cys15998Ter (NM_133437.4); short protein forms C15806*, C15931*, C15998*, C22303*, C23230*, C24871*.
Identifiers: ClinVar variation 3757149 (VCV003757149.2).
Genomic context (GRCh38, chr2:178,571,519, plus strand): 5'-CTTCCCATATCTGTTTTCAGCTGCAATTCTAAACTGATATTCACATCCAGTCTTCAGTCT[G>T]CAAGCCTTTATTGTTGTCCTTGCAACTGTAGCTGATACAATTTGCCAGGTGGTTGTGGAA-3'

ClinVar aggregate classification (germline): Likely pathogenic (1 of 4 stars; one submission).

Conditions:
Dilated cardiomyopathy 1G (CMD1G). Identifiers: Orphanet 154, MedGen C1858763, MONDO:0011400, OMIM 604145.
Autosomal recessive limb-girdle muscular dystrophy type 2J (LGMDR10). Also called: Limb-girdle muscular dystrophy, type 2J; MUSCULAR DYSTROPHY, LIMB-GIRDLE, AUTOSOMAL RECESSIVE 10. Identifiers: Orphanet 140922, MedGen C1837342, MONDO:0012127, OMIM 608807.

Submission:

Labcorp Genetics (formerly Invitae), Labcorp
Classification: Likely pathogenic for Dilated cardiomyopathy 1G; Autosomal recessive limb-girdle muscular dystrophy type 2J. Last evaluated: 2024-07-04. Review status: criteria provided, single submitter. Criteria: Invitae Variant Classification Sherloc (09022015). Collection method: clinical testing. Allele origin: germline.
Comment: This sequence change creates a premature translational stop signal (p.Cys24871*) in the TTN gene. While this is not anticipated to result in nonsense mediated decay, it is expected to create a truncated TTN protein. This variant is not present in population databases (gnomAD no frequency). This variant has not been reported in the literature in individuals affected with TTN-related conditions. This variant is located in the A band of TTN (PMID: 25589632). Truncating variants in this region are significantly overrepresented in patients affected with dilated cardiomyopathy (PMID: 25589632). Truncating variants in this region have also been reported in individuals affected with autosomal recessive centronuclear myopathy (PMID: 23975875). In summary, the currently available evidence indicates that the variant is pathogenic, but additional data are needed to prove that conclusively. Therefore, this variant has been classified as Likely Pathogenic.

Literature cited by the submitters: PubMed 25589632; PubMed 23975875.